The following is an entry in ClinVar:

ClinVar aggregate classification (germline): Uncertain significance (0 of 4 stars; one submission).

Conditions:
TUBB-related disorder. Also called: TUBB-related condition.

Submission:

PreventionGenetics, part of Exact Sciences
Classification: Uncertain significance for TUBB-related condition. Last evaluated: 2024-08-03. Review status: no assertion criteria provided. Collection method: clinical testing. Allele origin: germline.
Comment: The TUBB c.289G>A variant is predicted to result in the amino acid substitution p.Ala97Thr. To our knowledge, this variant has not been reported in the literature or in a large population database, indicating this variant is rare. At this time, the clinical significance of this variant is uncertain due to the absence of conclusive functional and genetic evidence.

NM_178014.4(TUBB):c.289G>A (p.Ala97Thr)

Gene: TUBB (tubulin beta class I; plus strand). Cytogenetic location: 6p21.33.
Variant type: single nucleotide variant.
Coding change: c.289G>A on transcript NM_178014.4 (MANE Select); coding-DNA position 289, G replaced by A.
Protein change: p.Ala97Thr; replaces alanine 97 with threonine.
Molecular consequence: missense variant.
Genome position (GRCh38, 1-based): chr6:30,723,351, G>A. VCF-style: chr6-30723351-G-A. GRCh37 (hg19) VCF-style: chr6-30691128-G-A.
Other names: c.349G>A, p.Ala117Thr (NM_001293212.2); c.289G>A, p.Ala97Thr (NM_001293213.2); c.157G>A, p.Ala53Thr (NM_001293214.2); c.73G>A, p.Ala25Thr (NM_001293215.2, NM_001293216.2); short protein forms A117T, A25T, A53T, A97T.
Identifiers: ClinVar variation 3345941 (VCV003345941.1).